The following is an entry in ClinVar:

NM_000517.6(HBA2):c.68del (p.Gly23fs)

Genes: HBA2 (hemoglobin subunit alpha 2; plus strand), LOC106804612 (hemoglobin subunit alpha 2 recombination region; plus strand). Cytogenetic location: 16p13.3.
Variant type: Deletion.
Coding change: c.68del on transcript NM_000517.6 (MANE Select); coding-DNA position 68, one base deleted (G; older notation c.68delG).
Protein change: p.Gly23fs; shifts the reading frame from glycine 23.
Molecular consequence: frameshift variant.
Genome position (GRCh38, 1-based): chr16:172,980, G deleted; the last of 2 consecutive G bases (chr16:172,979-172,980); deleting either gives the same sequence. VCF-style (leftmost placement, unchanged base first): chr16-172978-TG-T. GRCh37 (hg19) VCF-style: chr16-222977-TG-T.
Other names: short protein forms G23fs.
Identifiers: ClinVar variation 4818674 (VCV004818674.1).

ClinVar aggregate classification (germline): Likely pathogenic (1 of 4 stars; one submission).

Conditions:
alpha Thalassemia. Also called: Alpha thalassemia spectrum. Identifiers: Orphanet 846, MedGen C0002312, MONDO:0011399, OMIM 604131.

Submission:

Natera, Inc.
Classification: Likely pathogenic for Alpha thalassemia. Last evaluated: 2025-11-16. Review status: criteria provided, single submitter. Criteria: Natera Variant Classification Schema (03/2026). Collection method: clinical testing. Allele origin: germline.
Comment: The c.68del variant in HBA2 is a frameshift variant predicted to shift the reading frame beginning at codon 23 and leads to a stop codon 27 codons downstream. This variant is expected to result in nonsense mediated decay, truncation, or a dysfunctional protein product. This variant is rare in the general population with a frequency below the threshold expected for the associated phenotype(s). Given the available evidence, this variant is classified as Likely Pathogenic.